The following is an entry in ClinVar:

ClinVar aggregate classification (germline): Uncertain significance. Review status: criteria provided, multiple submitters, no conflicts (2 of 4 stars). 2 submissions from 2 submitters: Uncertain significance (2). Last evaluated 2024-09-20.

Conditions:
Schuurs-Hoeijmakers syndrome. Also called: PACS1-Related Neurodevelopmental Disorder. Identifiers: Orphanet 329224, MedGen C3554343, MONDO:0014006, OMIM 615009.

Allele frequency attached by ClinVar (database versions not stated): gnomAD exomes below 0.00001.
gnomAD v4.1: 1 of 1,611,534 alleles (0.000062%); highest among the groups gnomAD compares: Non-Finnish European, 0.000085%; no homozygotes.

Submissions (2):

GeneDx
Classification: Uncertain significance. Last evaluated: 2024-09-20. Review status: criteria provided, single submitter. Criteria: GeneDx Variant Classification Process June 2021. Collection method: clinical testing. Allele origin: germline. Affected: yes.
Comment: Not observed at significant frequency in large population cohorts (gnomAD); In silico analysis indicates that this missense variant does not alter protein structure/function; Has not been previously published as pathogenic or benign to our knowledge

Labcorp Genetics (formerly Invitae), Labcorp
Classification: Uncertain significance for Schuurs-Hoeijmakers syndrome. Last evaluated: 2022-12-31. Review status: criteria provided, single submitter. Criteria: Invitae Variant Classification Sherloc (09022015). Collection method: clinical testing. Allele origin: germline.
Comment: In summary, the available evidence is currently insufficient to determine the role of this variant in disease. Therefore, it has been classified as a Variant of Uncertain Significance. Algorithms developed to predict the effect of missense changes on protein structure and function output the following: SIFT: "Tolerated"; PolyPhen-2: "Benign"; Align-GVGD: "Class C0". The valine amino acid residue is found in multiple mammalian species, which suggests that this missense change does not adversely affect protein function. This variant has not been reported in the literature in individuals affected with PACS1-related conditions. This variant is not present in population databases (gnomAD no frequency). This sequence change replaces isoleucine, which is neutral and non-polar, with valine, which is neutral and non-polar, at codon 808 of the PACS1 protein (p.Ile808Val).

NM_018026.4(PACS1):c.2422A>G (p.Ile808Val)

Gene: PACS1 (phosphofurin acidic cluster sorting protein 1; plus strand). Cytogenetic location: 11q13.2.
Variant type: single nucleotide variant.
Coding change: c.2422A>G on transcript NM_018026.4 (MANE Select); coding-DNA position 2422, A replaced by G.
Protein change: p.Ile808Val; replaces isoleucine 808 with valine.
Molecular consequence: missense variant.
Genome position (GRCh38, 1-based): chr11:66,239,270, A>G. VCF-style: chr11-66239270-A-G. GRCh37 (hg19) VCF-style: chr11-66006741-A-G.
Other names: c.2422A>G (NM_018026.3); short protein forms I808V.
Identifiers: ClinVar variation 2825193 (VCV002825193.4), dbSNP rs2495603308, ClinGen allele CA381380589.